The following is an entry in ClinVar:

ClinVar aggregate classification (germline): Benign. Review status: criteria provided, single submitter (1 of 4 stars). 2 submissions from 2 submitters: Benign (1). 1 of the submissions does not count toward it. Last evaluated 2026-02-02.

Conditions:
DSG1-related disorder. Also called: DSG1-related condition.

Allele frequency attached by ClinVar (database versions not stated): ESP Exome Variant Server 0.00054.
gnomAD v4.1: 1,181 of 1,614,134 alleles (0.073%); highest among the groups gnomAD compares: Non-Finnish European, 0.094%; 1 homozygote.

Submissions (2):

Labcorp Genetics (formerly Invitae), Labcorp
Classification: Benign. Last evaluated: 2026-02-02. Review status: criteria provided, single submitter. Criteria: Invitae Variant Classification Sherloc (09022015). Collection method: clinical testing. Allele origin: germline.

PreventionGenetics, part of Exact Sciences
Classification: Likely benign for DSG1-related condition. Last evaluated: 2019-03-05. Review status: no assertion criteria provided. Collection method: clinical testing. Allele origin: germline. Not counted in ClinVar's aggregate classification.
Comment: This variant is classified as likely benign based on ACMG/AMP sequence variant interpretation guidelines (Richards et al. 2015 PMID: 25741868, with internal and published modifications).

NM_001942.4(DSG1):c.2481C>T (p.Leu827=)

Genes: DSG1-AS1 (DSG1 antisense RNA 1; minus strand), DSG1 (desmoglein 1; plus strand), LOC126862720 (MED14-independent group 3 enhancer GRCh37_chr18:28933613-28934812; plus strand). Cytogenetic location: 18q12.1.
Variant type: single nucleotide variant.
Coding change: c.2481C>T on transcript NM_001942.4 (MANE Select); coding-DNA position 2481, C replaced by T.
Protein change: p.Leu827=; no amino-acid change (leucine 827 retained).
Molecular consequence: synonymous variant.
Genome position (GRCh38, 1-based): chr18:31,354,677, C>T. VCF-style: chr18-31354677-C-T. GRCh37 (hg19) VCF-style: chr18-28934640-C-T.
Other names: c.2481C>T (NM_001942.3).
Identifiers: ClinVar variation 1551383 (VCV001551383.10), dbSNP rs141759043, ClinGen allele CA8926370.